The following is an entry in ClinVar:

ClinVar aggregate classification (germline): Uncertain significance (1 of 4 stars; one submission).

Submission:

GeneDx
Classification: Uncertain significance. Last evaluated: 2024-04-15. Review status: criteria provided, single submitter. Criteria: GeneDx Variant Classification Process June 2021. Collection method: clinical testing. Allele origin: germline. Affected: yes.
Comment: Has not been previously published as pathogenic or benign to our knowledge; Not observed at significant frequency in large population cohorts (gnomAD); In silico analysis indicates that this missense variant does not alter protein structure/function

NM_024422.6(DSC2):c.959A>G (p.Gln320Arg)

Gene: DSC2 (desmocollin 2; minus strand). Cytogenetic location: 18q12.1.
Variant type: single nucleotide variant.
Coding change: c.959A>G on transcript NM_024422.6 (MANE Select); coding-DNA position 959, A replaced by G.
Protein change: p.Gln320Arg; replaces glutamine 320 with arginine.
Molecular consequence: missense variant.
Genome position (GRCh38, 1-based): chr18:31,083,044, T>C on the plus strand (A>G on the coding strand, the complement: DSC2 is on the minus strand). VCF-style: chr18-31083044-T-C. GRCh37 (hg19) VCF-style: chr18-28663010-T-C.
Other names: c.530A>G, p.Gln177Arg (NM_001406506.1, NM_001406507.1); c.959A>G, p.Gln320Arg (NM_004949.5); short protein forms Q177R, Q320R.
Identifiers: ClinVar variation 3372488 (VCV003372488.1).